The following is an entry in ClinVar:

NM_001170754.2(CIROZ):c.2391del (p.Leu798fs)

Gene: CIROZ (ciliated left-right organizer protein containing ZP-N domains; minus strand). Cytogenetic location: 1p36.22.
Variant type: Deletion.
Coding change: c.2391del on transcript NM_001170754.2 (MANE Select); coding-DNA position 2391, one base deleted (C; older notation c.2391delC).
Protein change: p.Leu798fs; shifts the reading frame from leucine 798.
Molecular consequence: frameshift variant.
Genome position (GRCh38, 1-based): chr1:10,947,744, G deleted on the plus strand (C on the coding strand, the reverse complement: CIROZ is on the minus strand); the first of 2 consecutive G bases (chr1:10,947,744-10,947,745); deleting either gives the same sequence. VCF-style (leftmost placement, unchanged base first): chr1-10947743-AG-A. GRCh37 (hg19) VCF-style: chr1-11007800-AG-A.
Other names: c.1974del, p.Leu659fs (NM_001366227.2); short protein forms L659fs, L798fs.
Identifiers: ClinVar variation 4795466 (VCV004795466.2).
Genomic context (GRCh38, chr1:10,947,743, plus strand): 5'-AAAGCCCCTCCACACTGTCTTGAAGCTCAGGAGGCCTGTGGCTTTCAGCACTGAGGGCCA[AG>A]GTGGGCTCTGTCAGCTCCTGCTGGAGTGAGGCCCCCCGGCCAGCCTGGAAGGGGTATTCA-3'

ClinVar aggregate classification (germline): Uncertain significance (1 of 4 stars; one submission).

Submission:

GeneDx
Classification: Uncertain significance. Last evaluated: 2026-03-11. Review status: criteria provided, single submitter. Criteria: GeneDx Variant Classification Process June 2021. Collection method: clinical testing. Allele origin: germline.
Comment: Frameshift variant predicted to result in abnormal protein length as the last 26 amino acid(s) are replaced with 119 different amino acid(s) with an unclear effect on protein function; Has not been previously published as pathogenic or benign to our knowledge